The following is an entry in ClinVar:

NM_000458.4(HNF1B):c.1127C>T (p.Thr376Ile)

Gene: HNF1B (HNF1 homeobox B; minus strand). Cytogenetic location: 17q12.
Variant type: single nucleotide variant.
Coding change: c.1127C>T on transcript NM_000458.4 (MANE Select); coding-DNA position 1127, C replaced by T.
Protein change: p.Thr376Ile; replaces threonine 376 with isoleucine.
Molecular consequence: missense variant.
Genome position (GRCh38, 1-based): chr17:37,710,582, G>A on the plus strand (C>T on the coding strand, the complement: HNF1B is on the minus strand). VCF-style: chr17-37710582-G-A. GRCh37 (hg19) VCF-style: chr17-36070590-G-A.
Other names: c.1127C>T (NM_000458.3); c.1049C>T, p.Thr350Ile (NM_001165923.4, NM_001304286.2); c.1127C>T, p.Thr376Ile (NM_001411100.1); short protein forms T376I, T350I.
Identifiers: ClinVar variation 1799376 (VCV001799376.6), dbSNP rs749391290, ClinGen allele CA8518887.

ClinVar aggregate classification (germline): Uncertain significance. Review status: criteria provided, multiple submitters, no conflicts (2 of 4 stars). 3 submissions from 3 submitters: Uncertain significance (3). Last evaluated 2025-12-29.

Conditions:
HNF1B-related disorder. Also called: HNF1B-related condition; HNF1B-related disorders.
Maturity-onset diabetes of the young (MODY). Also called: Maturity onset diabetes mellitus in young. Identifiers: Orphanet 552, MedGen C0342276, MONDO:0018911, HP:0004904.

Allele frequency attached by ClinVar (database versions not stated): TOPMed 0.00003.

Submissions (3):

PreventionGenetics, part of Exact Sciences
Classification: Uncertain significance for HNF1B-related condition. Last evaluated: 2025-12-29. Review status: criteria provided, single submitter. Criteria: ACMG Guidelines, 2015. Collection method: clinical testing. Allele origin: germline.
Comment: The HNF1B c.1127C>T variant is predicted to result in the amino acid substitution p.Thr376Ile. This variant has been reported in individuals with diabetes; however, details regarding potential pathogenicity were limited (Haynes et al. 2019. PubMed ID: 31057226; Popp et al. 2022. PubMed ID: 36100708; Topak. 2023. PubMed ID: 37078890; Duzkale and Emiroglu. 2023. DOI: 10.5603/DK.a2023.0030). This variant has also been reported in a family with diabetes; however, affected individuals either carried the variant along with a causative variant in HNF4A or only carried the HNF4A variant (Szopa et al. 2015. PubMed ID: 26552609). This variant is reported in 0.011% of alleles in individuals of European (non-Finnish) descent in gnomAD. At this time, the clinical significance of this variant is uncertain due to the absence of conclusive functional and genetic evidence.

Labcorp Genetics (formerly Invitae), Labcorp
Classification: Uncertain significance. Last evaluated: 2024-09-04. Review status: criteria provided, single submitter. Criteria: Invitae Variant Classification Sherloc (09022015). Collection method: clinical testing. Allele origin: germline.
Comment: This sequence change replaces threonine, which is neutral and polar, with isoleucine, which is neutral and non-polar, at codon 376 of the HNF1B protein (p.Thr376Ile). The frequency data for this variant in the population databases is considered unreliable, as metrics indicate poor data quality at this position in the gnomAD database. This missense change has been observed in individual(s) with maturity-onset diabetes of the young or Gitelman syndrome (PMID: 31057226, 37078890). ClinVar contains an entry for this variant (Variation ID: 1799376). Invitae Evidence Modeling of protein sequence and biophysical properties (such as structural, functional, and spatial information, amino acid conservation, physicochemical variation, residue mobility, and thermodynamic stability) indicates that this missense variant is not expected to disrupt HNF1B protein function with a negative predictive value of 80%. In summary, the available evidence is currently insufficient to determine the role of this variant in disease. Therefore, it has been classified as a Variant of Uncertain Significance.

Ambry Genetics
Classification: Uncertain significance for Maturity-onset diabetes of the young. Last evaluated: 2016-11-28. Review status: criteria provided, single submitter. Criteria: Ambry Variant Classification Scheme 2023. Collection method: clinical testing. Allele origin: germline.
Comment: The p.T376I variant (also known as c.1127C>T), located in coding exon 5 of the HNF1B gene, results from a C to T substitution at nucleotide position 1127. The threonine at codon 376 is replaced by isoleucine, an amino acid with similar properties. This amino acid position is highly conserved in available vertebrate species. In addition, this alteration is predicted to be deleterious by in silico analysis. Since supporting evidence is limited at this time, the clinical significance of this alteration remains unclear.

Literature cited by the submitters: PubMed 31057226 (cited by Labcorp Genetics (formerly Invitae), Labcorp); PubMed 37078890 (cited by Labcorp Genetics (formerly Invitae), Labcorp); PubMed 26552609 (cited by Ambry Genetics).